The following is an entry in ClinVar:

ClinVar aggregate classification (germline): Uncertain significance. Review status: criteria provided, multiple submitters, no conflicts (2 of 4 stars). 3 submissions from 3 submitters: Uncertain significance (3). Last evaluated 2024-06-05.

Conditions:
Galloway-Mowat syndrome 1 (GAMOS1). Identifiers: Orphanet 2065, Orphanet 83472, MedGen C4551772, MONDO:0033005, OMIM 251300.
Inborn genetic diseases. Identifiers: MedGen C0950123, MeSH D030342.

Allele frequency attached by ClinVar (database versions not stated): ExAC 0.00003; ESP Exome Variant Server 0.00008.
gnomAD v4.1: 24 of 1,613,868 alleles (0.0015%); highest among the groups gnomAD compares: South Asian, 0.0033%; no homozygotes.

Submissions (3):

Fulgent Genetics
Classification: Uncertain significance for Galloway-Mowat syndrome 1. Last evaluated: 2024-06-05. Review status: criteria provided, single submitter. Criteria: ACMG Guidelines, 2015. Collection method: clinical testing. Allele origin: germline.

Ambry Genetics
Classification: Uncertain significance for Inborn genetic diseases. Last evaluated: 2023-01-18. Review status: criteria provided, single submitter. Criteria: Ambry Variant Classification Scheme 2023. Collection method: clinical testing. Allele origin: germline.

Labcorp Genetics (formerly Invitae), Labcorp
Classification: Uncertain significance. Last evaluated: 2022-08-09. Review status: criteria provided, single submitter. Criteria: Invitae Variant Classification Sherloc (09022015). Collection method: clinical testing. Allele origin: germline.
Comment: This variant is present in population databases (rs368793393, gnomAD 0.007%). This variant has not been reported in the literature in individuals affected with WDR73-related conditions. Algorithms developed to predict the effect of missense changes on protein structure and function (SIFT, PolyPhen-2, Align-GVGD) all suggest that this variant is likely to be tolerated. In summary, the available evidence is currently insufficient to determine the role of this variant in disease. Therefore, it has been classified as a Variant of Uncertain Significance. This sequence change replaces valine, which is neutral and non-polar, with isoleucine, which is neutral and non-polar, at codon 161 of the WDR73 protein (p.Val161Ile).

NM_032856.5(WDR73):c.481G>A (p.Val161Ile)

Gene: WDR73 (WD repeat domain 73; minus strand). Cytogenetic location: 15q25.2.
Variant type: single nucleotide variant.
Coding change: c.481G>A on transcript NM_032856.5 (MANE Select); coding-DNA position 481, G replaced by A.
Protein change: p.Val161Ile; replaces valine 161 with isoleucine.
Molecular consequence: missense variant. On other transcripts: non-coding transcript variant (4).
Genome position (GRCh38, 1-based): chr15:84,646,220, C>T on the plus strand (G>A on the coding strand, the complement: WDR73 is on the minus strand). VCF-style: chr15-84646220-C-T. GRCh37 (hg19) VCF-style: chr15-85189451-C-T.
Other names: c.481G>A (NM_032856.2); short protein forms V161I.
Identifiers: ClinVar variation 1903049 (VCV001903049.8), dbSNP rs368793393, ClinGen allele CA7707384.